The following is an entry in ClinVar:

ClinVar aggregate classification (germline): Uncertain significance (1 of 4 stars; one submission).

Conditions:
Hyperphosphatasia with impaired intellectual development syndrome 2. Also called: Hyperphosphatasia with intellectual disability syndrome 2; GLYCOSYLPHOSPHATIDYLINOSITOL BIOSYNTHESIS DEFECT 6. Identifiers: Orphanet 247262, MedGen C3553637, MONDO:0013882, OMIM 614749.

Allele frequency attached by ClinVar (database versions not stated): gnomAD exomes below 0.00001.

Submission:

Labcorp Genetics (formerly Invitae), Labcorp
Classification: Uncertain significance for Hyperphosphatasia with impaired intellectual development syndrome 2. Last evaluated: 2020-01-20. Review status: criteria provided, single submitter. Criteria: Invitae Variant Classification Sherloc (09022015). Collection method: clinical testing. Allele origin: germline.
Comment: This sequence change replaces alanine with serine at codon 951 of the PIGO protein (p.Ala951Ser). The alanine residue is moderately conserved and there is a moderate physicochemical difference between alanine and serine. In summary, the available evidence is currently insufficient to determine the role of this variant in disease. Therefore, it has been classified as a Variant of Uncertain Significance. Algorithms developed to predict the effect of missense changes on protein structure and function output the following: SIFT: "Tolerated"; PolyPhen-2: "Benign"; Align-GVGD: "Class C0". The serine amino acid residue is found in multiple mammalian species, suggesting that this missense change does not adversely affect protein function. These predictions have not been confirmed by published functional studies and their clinical significance is uncertain. This variant has not been reported in the literature in individuals with PIGO-related conditions. This variant is not present in population databases (ExAC no frequency).

NM_032634.4(PIGO):c.2851G>T (p.Ala951Ser)

Gene: PIGO (phosphatidylinositol glycan anchor biosynthesis class O; minus strand). Cytogenetic location: 9p13.3.
Variant type: single nucleotide variant.
Coding change: c.2851G>T on transcript NM_032634.4 (MANE Select); coding-DNA position 2851, G replaced by T.
Protein change: p.Ala951Ser; replaces alanine 951 with serine.
Molecular consequence: missense variant.
Genome position (GRCh38, 1-based): chr9:35,090,469, C>A on the plus strand (G>T on the coding strand, the complement: PIGO is on the minus strand). VCF-style: chr9-35090469-C-A. GRCh37 (hg19) VCF-style: chr9-35090466-C-A.
Other names: c.1600G>T, p.Ala534Ser (NM_001201484.2, NM_152850.4); short protein forms A534S, A951S.
Identifiers: ClinVar variation 1054964 (VCV001054964.9), dbSNP rs1243487347, ClinGen allele CA373318043.
Genomic context (GRCh38, chr9:35,090,469, plus strand): 5'-CTTTCTTTCCACAAAGCCAGAGTAAACAATGGAAGCAAGTGAAGGAGGAGGGGGTACCTG[C>A]AAAGAGGAGGTGGGAGGCAAAGGTGTTGGCTCCCACTAGCAAAGCAGGCAGCCAAGTACA-3'
Protein context (NP_116023.2, residues 941-961): ANTFASHLLF[Ala951Ser]VGCPLLLLWP